The following is an entry in ClinVar:

ClinVar aggregate classification (germline): Uncertain significance (1 of 4 stars; one submission).

Conditions:
Bloom syndrome (BLM). Also called: Bloom-Torre-Machacek syndrome. Identifiers: Orphanet 125, MedGen C0005859, MONDO:0008876, OMIM 210900.

gnomAD v4.1: 1 of 1,613,016 alleles (0.000062%); no homozygotes.

Submission:

Labcorp Genetics (formerly Invitae), Labcorp
Classification: Uncertain significance for Bloom syndrome. Last evaluated: 2025-11-19. Review status: criteria provided, single submitter. Criteria: Invitae Variant Classification Sherloc (09022015). Collection method: clinical testing. Allele origin: germline.
Comment: This sequence change replaces isoleucine, which is neutral and non-polar, with phenylalanine, which is neutral and non-polar, at codon 777 of the BLM protein (p.Ile777Phe). This variant is not present in population databases (gnomAD no frequency). This variant has not been reported in the literature in individuals affected with BLM-related conditions. Invitae Evidence Modeling of protein sequence and biophysical properties (such as structural, functional, and spatial information, amino acid conservation, physicochemical variation, residue mobility, and thermodynamic stability) indicates that this missense variant is not expected to disrupt BLM protein function with a negative predictive value of 80%. In summary, the available evidence is currently insufficient to determine the role of this variant in disease. Therefore, it has been classified as a Variant of Uncertain Significance.

NM_000057.4(BLM):c.2329A>T (p.Ile777Phe)

Gene: BLM (BLM RecQ like helicase; plus strand). Cytogenetic location: 15q26.1.
Variant type: single nucleotide variant.
Coding change: c.2329A>T on transcript NM_000057.4 (MANE Select); coding-DNA position 2329, A replaced by T.
Protein change: p.Ile777Phe; replaces isoleucine 777 with phenylalanine.
Molecular consequence: missense variant.
Genome position (GRCh38, 1-based): chr15:90,769,154, A>T. VCF-style: chr15-90769154-A-T. GRCh37 (hg19) VCF-style: chr15-91312384-A-T.
Other names: c.2329A>T, p.Ile777Phe (NM_001287246.2, NM_001287247.2); c.1204A>T, p.Ile402Phe (NM_001287248.2); short protein forms I402F, I777F.
Identifiers: ClinVar variation 4711212 (VCV004711212.1).